The following is an entry in ClinVar:

NM_003803.4(MYOM1):c.1159A>G (p.Thr387Ala)

Gene: MYOM1 (myomesin 1; minus strand). Cytogenetic location: 18p11.31.
Variant type: single nucleotide variant.
Coding change: c.1159A>G on transcript NM_003803.4 (MANE Select); coding-DNA position 1159, A replaced by G.
Protein change: p.Thr387Ala; replaces threonine 387 with alanine.
Molecular consequence: missense variant.
Genome position (GRCh38, 1-based): chr18:3,173,953, T>C on the plus strand (A>G on the coding strand, the complement: MYOM1 is on the minus strand). VCF-style: chr18-3173953-T-C. GRCh37 (hg19) VCF-style: chr18-3173951-T-C.
Other names: c.1159A>G, p.Thr387Ala (NM_019856.2); short protein forms T387A.
Identifiers: ClinVar variation 1386277 (VCV001386277.9), dbSNP rs1033765822, ClinGen allele CA295509288.

ClinVar aggregate classification (germline): Uncertain significance. Review status: criteria provided, multiple submitters, no conflicts (2 of 4 stars). 2 submissions from 2 submitters: Uncertain significance (2). Last evaluated 2025-08-14.

Conditions:
Hypertrophic cardiomyopathy. Also called: HYPERTROPHIC MYOCARDIOPATHY. Identifiers: Orphanet 217569, MedGen C0007194, MeSH D002312, MONDO:0005045, HP:0001639.

Allele frequency attached by ClinVar (database versions not stated): gnomAD exomes below 0.00001 and 0.00001; gnomAD 0.00003; TOPMed 0.00003.

Submissions (2):

Ambry Genetics
Classification: Uncertain significance. Last evaluated: 2025-08-14. Review status: criteria provided, single submitter. Criteria: Ambry Variant Classification Scheme 2023. Collection method: clinical testing. Allele origin: germline.

Labcorp Genetics (formerly Invitae), Labcorp
Classification: Uncertain significance for Hypertrophic cardiomyopathy. Last evaluated: 2025-06-02. Review status: criteria provided, single submitter. Criteria: Invitae Variant Classification Sherloc (09022015). Collection method: clinical testing. Allele origin: germline.
Comment: This sequence change replaces threonine, which is neutral and polar, with alanine, which is neutral and non-polar, at codon 387 of the MYOM1 protein (p.Thr387Ala). This variant is present in population databases (no rsID available, gnomAD 0.01%). This variant has not been reported in the literature in individuals affected with MYOM1-related conditions. ClinVar contains an entry for this variant (Variation ID: 1386277). An algorithm developed to predict the effect of missense changes on protein structure and function (PolyPhen-2) suggests that this variant is likely to be tolerated. In summary, the available evidence is currently insufficient to determine the role of this variant in disease. Therefore, it has been classified as a Variant of Uncertain Significance.